The following is an entry in ClinVar:

NM_016203.4(PRKAG2):c.1355T>C (p.Phe452Ser)

Gene: PRKAG2 (protein kinase AMP-activated non-catalytic subunit gamma 2; minus strand). Cytogenetic location: 7q36.1.
Variant type: single nucleotide variant.
Coding change: c.1355T>C on transcript NM_016203.4 (MANE Select); coding-DNA position 1355, T replaced by C.
Protein change: p.Phe452Ser; replaces phenylalanine 452 with serine.
Molecular consequence: missense variant.
Genome position (GRCh38, 1-based): chr7:151,565,764, A>G on the plus strand (T>C on the coding strand, the complement: PRKAG2 is on the minus strand). VCF-style: chr7-151565764-A-G. GRCh37 (hg19) VCF-style: chr7-151262850-A-G.
Other names: c.1223T>C, p.Phe408Ser (NM_001040633.2, NM_001407024.1); c.980T>C, p.Phe327Ser (NM_001304527.2, NM_001407029.1); c.632T>C, p.Phe211Ser (NM_001304531.2, NM_001407034.1, NM_001407035.1 and 1 more transcripts); c.983T>C, p.Phe328Ser (NM_001363698.2, NM_001407028.1); c.1355T>C, p.Phe452Ser (NM_001407021.1); c.1352T>C, p.Phe451Ser (NM_001407022.1, NM_001407023.1); c.1220T>C, p.Phe407Ser (NM_001407026.1, NM_001407027.1); c.1067T>C, p.Phe356Ser (NM_001407030.1); and 6 more; short protein forms F327S, F344S, F346S, F407S, F211S, F408S, F227S, F231S.
Identifiers: ClinVar variation 2085238 (VCV002085238.4), dbSNP rs1414884410, ClinGen allele CA370070949.

ClinVar aggregate classification (germline): Uncertain significance (1 of 4 stars; one submission).

Conditions:
Lethal congenital glycogen storage disease of heart. Also called: PHOSPHORYLASE KINASE DEFICIENCY OF HEART; GLYCOGEN STORAGE DISEASE OF HEART. Identifiers: Orphanet 439854, MedGen C1849813, MONDO:0009867, OMIM 261740.

Allele frequency attached by ClinVar (database versions not stated): gnomAD exomes below 0.00001.
gnomAD v4.1: 1 of 1,613,940 alleles (0.000062%); no homozygotes.

Submission:

Labcorp Genetics (formerly Invitae), Labcorp
Classification: Uncertain significance for Lethal congenital glycogen storage disease of heart. Last evaluated: 2024-06-28. Review status: criteria provided, single submitter. Criteria: Invitae Variant Classification Sherloc (09022015). Collection method: clinical testing. Allele origin: germline.
Comment: This sequence change replaces phenylalanine, which is neutral and non-polar, with serine, which is neutral and polar, at codon 452 of the PRKAG2 protein (p.Phe452Ser). This variant is present in population databases (no rsID available, gnomAD 0.01%). This variant has not been reported in the literature in individuals affected with PRKAG2-related conditions. ClinVar contains an entry for this variant (Variation ID: 2085238). Advanced modeling of protein sequence and biophysical properties (such as structural, functional, and spatial information, amino acid conservation, physicochemical variation, residue mobility, and thermodynamic stability) performed at Invitae indicates that this missense variant is expected to disrupt PRKAG2 protein function with a positive predictive value of 95%. In summary, the available evidence is currently insufficient to determine the role of this variant in disease. Therefore, it has been classified as a Variant of Uncertain Significance.